The following is an entry in ClinVar:

NM_016008.4(DYNC2LI1):c.654+5_654+6del

Gene: DYNC2LI1 (dynein cytoplasmic 2 light intermediate chain 1; plus strand). Cytogenetic location: 2p21.
Variant type: Deletion.
Coding change: c.654+5_654+6del on transcript NM_016008.4 (MANE Select); bases 5 to 6 of the intron after coding-DNA position 654, 2 bases deleted (GT; older notation c.654+5_654+6delGT).
Molecular consequence: intron variant.
Genome position (GRCh38, 1-based): chr2:43,796,800-43,796,801, GT deleted; deleting any 2 consecutive bases within chr2:43,796,799-43,796,801 gives the same sequence; the c. name uses the placement nearest the transcript's 3' end. VCF-style (leftmost placement, unchanged base first): chr2-43796798-TTG-T. GRCh37 (hg19) VCF-style: chr2-44023937-TTG-T.
Other names: c.657+5_657+6del (NM_001348913.2, NM_001193464.2); c.654+5_654+6del (NM_001348912.2).
Identifiers: ClinVar variation 1949951 (VCV001949951.5), dbSNP rs1353124137, ClinGen allele CA532270873.
Genomic context (GRCh38, chr2:43,796,798, plus strand): 5'-AAAGGTAATATGCAAGACACTTCGATTTGTTGCACATTATTATGGAGCATCATTAATGGT[TTG>T]TACATTTCTTGTCCTTTGGGCTTGAATGGACAGTACCAAATTTGGGGAAATCAGCAACTT-3'

ClinVar aggregate classification (germline): Uncertain significance (1 of 4 stars; one submission).

Submission:

Labcorp Genetics (formerly Invitae), Labcorp
Classification: Uncertain significance. Last evaluated: 2022-07-29. Review status: criteria provided, single submitter. Criteria: Invitae Variant Classification Sherloc (09022015). Collection method: clinical testing. Allele origin: germline.
Comment: This sequence change falls in intron 8 of the DYNC2LI1 gene. It does not directly change the encoded amino acid sequence of the DYNC2LI1 protein. It affects a nucleotide within the consensus splice site. This variant is present in population databases (no rsID available, gnomAD 0.02%). This variant has not been reported in the literature in individuals affected with DYNC2LI1-related conditions. Variants that disrupt the consensus splice site are a relatively common cause of aberrant splicing (PMID: 17576681, 9536098). Algorithms developed to predict the effect of sequence changes on RNA splicing suggest that this variant may disrupt the consensus splice site. In summary, the available evidence is currently insufficient to determine the role of this variant in disease. Therefore, it has been classified as a Variant of Uncertain Significance.

Literature cited by the submitters: PubMed 17576681; PubMed 9536098.